The following is an entry in ClinVar:

NM_000064.4(C3):c.3154+1G>A

Gene: C3 (complement C3; minus strand). Cytogenetic location: 19p13.3.
Variant type: single nucleotide variant.
Coding change: c.3154+1G>A on transcript NM_000064.4 (MANE Select); the canonical splice donor site of the intron after coding-DNA position 3154, G replaced by A.
Molecular consequence: splice donor variant.
Genome position (GRCh38, 1-based): chr19:6,694,430, C>T on the plus strand (G>A on the coding strand, the complement: C3 is on the minus strand). VCF-style: chr19-6694430-C-T. GRCh37 (hg19) VCF-style: chr19-6694441-C-T.
Identifiers: ClinVar variation 4539092 (VCV004539092.1).

ClinVar aggregate classification (germline): Likely pathogenic (1 of 4 stars; one submission).

gnomAD v4.1: 1 of 1,613,740 alleles (0.000062%); highest among the groups gnomAD compares: Admixed American, 0.0017%; no homozygotes.

Submission:

Center for Genomic Medicine, Rigshospitalet, Copenhagen University Hospital
Classification: Likely pathogenic. Last evaluated: 2025-12-29. Review status: criteria provided, single submitter. Criteria: ACMG Guidelines, 2015. Collection method: clinical testing. Allele origin: germline.
Comment: Classification criteria: PVS1, PM2_Supporting